The following is an entry in ClinVar:

NM_025009.5(CEP135):c.992G>C (p.Arg331Thr)

Gene: CEP135 (centrosomal protein 135; plus strand). Cytogenetic location: 4q12.
Variant type: single nucleotide variant.
Coding change: c.992G>C on transcript NM_025009.5 (MANE Select); coding-DNA position 992, G replaced by C.
Protein change: p.Arg331Thr; replaces arginine 331 with threonine.
Molecular consequence: missense variant.
Genome position (GRCh38, 1-based): chr4:55,965,807, G>C. VCF-style: chr4-55965807-G-C. GRCh37 (hg19) VCF-style: chr4-56831973-G-C.
Other names: short protein forms R331T.
Identifiers: ClinVar variation 1409826 (VCV001409826.5), dbSNP rs146420984, ClinGen allele CA2927720.

ClinVar aggregate classification (germline): Uncertain significance (1 of 4 stars; one submission).

Allele frequency attached by ClinVar (database versions not stated): ESP Exome Variant Server 0.00008; gnomAD exomes 0.00009 and 0.00007; TOPMed 0.00012; gnomAD 0.00006; ExAC 0.00008.
gnomAD v4.1: 142 of 1,613,632 alleles (0.0088%); highest among the groups gnomAD compares: Admixed American, 0.02%; no homozygotes.

Submission:

Labcorp Genetics (formerly Invitae), Labcorp
Classification: Uncertain significance. Last evaluated: 2024-10-23. Review status: criteria provided, single submitter. Criteria: Invitae Variant Classification Sherloc (09022015). Collection method: clinical testing. Allele origin: germline.
Comment: This sequence change replaces arginine, which is basic and polar, with threonine, which is neutral and polar, at codon 331 of the CEP135 protein (p.Arg331Thr). This variant is present in population databases (rs146420984, gnomAD 0.02%). This variant has not been reported in the literature in individuals affected with CEP135-related conditions. ClinVar contains an entry for this variant (Variation ID: 1409826). An algorithm developed to predict the effect of missense changes on protein structure and function (PolyPhen-2) suggests that this variant¬†is likely to be tolerated. In summary, the available evidence is currently insufficient to determine the role of this variant in disease. Therefore, it has been classified as a Variant of Uncertain Significance.